The following is an entry in ClinVar:

NM_015559.3(SETBP1):c.1631G>C (p.Arg544Pro)

Gene: SETBP1 (SET binding protein 1; plus strand). Cytogenetic location: 18q12.3.
Variant type: single nucleotide variant.
Coding change: c.1631G>C on transcript NM_015559.3 (MANE Select); coding-DNA position 1631, G replaced by C.
Protein change: p.Arg544Pro; replaces arginine 544 with proline.
Molecular consequence: missense variant.
Genome position (GRCh38, 1-based): chr18:44,950,971, G>C. VCF-style: chr18-44950971-G-C. GRCh37 (hg19) VCF-style: chr18-42530936-G-C.
Other names: c.1631G>C, p.Arg544Pro (NM_001379142.1, NM_001379141.1); short protein forms R544P.
Identifiers: ClinVar variation 1310987 (VCV001310987.5), dbSNP rs201672132, ClinGen allele CA8945649.

ClinVar aggregate classification (germline): Conflicting classifications of pathogenicity. Review status: criteria provided, conflicting classifications (1 of 4 stars). 3 submissions from 3 submitters: Uncertain significance (2); Likely benign (1). Last evaluated 2024-10-24.

gnomAD v4.1: 7 of 1,614,072 alleles (0.00043%); highest among the groups gnomAD compares: South Asian, 0.0077%; no homozygotes.

Submissions (3):

Labcorp Genetics (formerly Invitae), Labcorp
Classification: Likely benign. Last evaluated: 2024-10-24. Review status: criteria provided, single submitter. Criteria: Invitae Variant Classification Sherloc (09022015). Collection method: clinical testing. Allele origin: germline.

Revvity Omics, Revvity
Classification: Uncertain significance. Last evaluated: 2024-08-23. Review status: criteria provided, single submitter. Criteria: ACMG Guidelines, 2015. Collection method: clinical testing. Allele origin: germline.

GeneDx
Classification: Uncertain significance. Last evaluated: 2019-12-17. Review status: criteria provided, single submitter. Criteria: GeneDx Variant Classification Process June 2021. Collection method: clinical testing. Allele origin: germline. Affected: yes.
Comment: In silico analysis, which includes protein predictors and evolutionary conservation, supports that this variant does not alter protein structure/function; Has not been previously published as pathogenic or benign to our knowledge